The following is an entry in ClinVar:

NM_007194.4(CHEK2):c.593-13T>G

Gene: CHEK2 (checkpoint kinase 2; minus strand). Cytogenetic location: 22q12.1.
Variant type: single nucleotide variant.
Coding change: c.593-13T>G on transcript NM_007194.4 (MANE Select); 13 bases into the intron before coding-DNA position 593, T replaced by G.
Molecular consequence: intron variant.
Genome position (GRCh38, 1-based): chr22:28,719,498, A>C on the plus strand (T>G on the coding strand, the complement: CHEK2 is on the minus strand). VCF-style: chr22-28719498-A-C. GRCh37 (hg19) VCF-style: chr22-29115486-A-C.
Other names: c.-71-13T>G (NM_001437942.1, NM_001257387.3); c.482+5388T>G (NM_001349956.3); c.593-13T>G (NM_145862.3); c.686-13T>G (NM_001438295.1, NM_001438293.1); c.722-13T>G (NM_001438294.1, NM_001005735.3).
Identifiers: ClinVar variation 3642844 (VCV003642844.2).
Genomic context (GRCh38, chr22:28,719,498, plus strand): 5'-TAGGATAAACTGACTGATCATCTACAGTCAGATCAAAAAAGACAAAAACTAAGGAAGAAA[A>C]GAGTAGAAATGGGTTTCATTAATTTATTCACAAGAGGCGATCACTGATTCTAAAATTTAT-3'

ClinVar aggregate classification (germline): Uncertain significance (1 of 4 stars; one submission).

Conditions:
Familial cancer of breast. Also called: hereditary breast carcinoma; Hereditary breast cancer; BREAST CANCER, FAMILIAL. Identifiers: Orphanet 227535, MedGen C0346153, MONDO:0016419, OMIM 114480. Disease mechanism: loss of function.

Submission:

Labcorp Genetics (formerly Invitae), Labcorp
Classification: Uncertain significance for Familial cancer of breast. Last evaluated: 2024-02-23. Review status: criteria provided, single submitter. Criteria: Invitae Variant Classification Sherloc (09022015). Collection method: clinical testing. Allele origin: germline.
Comment: This sequence change falls in intron 4 of the CHEK2 gene. It does not directly change the encoded amino acid sequence of the CHEK2 protein. This variant is not present in population databases (gnomAD no frequency). This variant has not been reported in the literature in individuals affected with CHEK2-related conditions. Algorithms developed to predict the effect of sequence changes on RNA splicing suggest that this variant may disrupt the consensus splice site. In summary, the available evidence is currently insufficient to determine the role of this variant in disease. Therefore, it has been classified as a Variant of Uncertain Significance.